The following is an entry in ClinVar:

NM_005076.5(CNTN2):c.635A>T (p.His212Leu)

Gene: CNTN2 (contactin 2; plus strand). Cytogenetic location: 1q32.1.
Variant type: single nucleotide variant.
Coding change: c.635A>T on transcript NM_005076.5 (MANE Select); coding-DNA position 635, A replaced by T.
Protein change: p.His212Leu; replaces histidine 212 with leucine.
Molecular consequence: missense variant. On other transcripts: non-coding transcript variant (1).
Genome position (GRCh38, 1-based): chr1:205,059,231, A>T. VCF-style: chr1-205059231-A-T. GRCh37 (hg19) VCF-style: chr1-205028359-A-T.
Other names: c.635A>T, p.His212Leu (NM_001346083.2); short protein forms H212L.
Identifiers: ClinVar variation 579679 (VCV000579679.8), dbSNP rs1558542528, ClinGen allele CA344407079.
Genomic context (GRCh38, chr1:205,059,231, plus strand): 5'-TGTACATTGCCCGAACCAATGCCTCAGACCTGGGCAACTACTCCTGTTTGGCCACCAGCC[A>T]CATGGACTTCTCCACCAAGAGCGTCTTCAGCAAGTTTGCTCAGCTCAACCTGGCTGCTGA-3'
Protein context (NP_005067.1, residues 202-222): LGNYSCLATS[His212Leu]MDFSTKSVFS

ClinVar aggregate classification (germline): Uncertain significance (1 of 4 stars; one submission).

Conditions:
Epilepsy, familial adult myoclonic, 5 (EPEO5). Also called: CORTICAL MYOCLONIC TREMOR WITH EPILEPSY, FAMILIAL, 5. Identifiers: Orphanet 86814, MedGen C3809374, MONDO:0014167, OMIM 615400.

Allele frequency attached by ClinVar (database versions not stated): gnomAD exomes below 0.00001.
gnomAD v4.1: 2 of 1,614,216 alleles (0.00012%); highest among the groups gnomAD compares: Non-Finnish European, 0.00017%; no homozygotes.

Submission:

Labcorp Genetics (formerly Invitae), Labcorp
Classification: Uncertain significance for Epilepsy, familial adult myoclonic, 5. Last evaluated: 2018-01-11. Review status: criteria provided, single submitter. Criteria: Invitae Variant Classification Sherloc (09022015). Collection method: clinical testing. Allele origin: germline.
Comment: In summary, the available evidence is currently insufficient to determine the role of this variant in disease. Therefore, it has been classified as a Variant of Uncertain Significance. Algorithms developed to predict the effect of missense changes on protein structure and function (SIFT, PolyPhen-2, Align-GVGD) all suggest that this variant is likely to be disruptive, but these predictions have not been confirmed by published functional studies and their clinical significance is uncertain. This sequence change replaces histidine with leucine at codon 212 of the CNTN2 protein (p.His212Leu). The histidine residue is highly conserved and there is a moderate physicochemical difference between histidine and leucine. This variant is not present in population databases (ExAC no frequency). This variant has not been reported in the literature in individuals with CNTN2-related disease.